The following is an entry in ClinVar:

ClinVar aggregate classification (germline): Uncertain significance (1 of 4 stars; one submission).

Conditions:
Hereditary cancer-predisposing syndrome. Also called: Hereditary Cancer Syndrome; Tumor predisposition; Hereditary neoplastic syndrome; Neoplastic Syndromes, Hereditary. Identifiers: Orphanet 140162, MedGen C0027672, MeSH D009386, MONDO:0015356.

Submission:

Ambry Genetics
Classification: Uncertain significance for Hereditary cancer-predisposing syndrome. Last evaluated: 2024-05-31. Review status: criteria provided, single submitter. Criteria: Ambry Variant Classification Scheme 2023. Collection method: clinical testing. Allele origin: germline.
Comment: The p.K275E variant (also known as c.823A>G), located in coding exon 10 of the BAP1 gene, results from an A to G substitution at nucleotide position 823. The lysine at codon 275 is replaced by glutamic acid, an amino acid with similar properties. This amino acid position is conserved. In addition, the in silico prediction for this alteration is inconclusive. Based on the available evidence, the clinical significance of this variant remains unclear.

NM_004656.4(BAP1):c.823A>G (p.Lys275Glu)

Gene: BAP1 (BRCA1 associated deubiquitinase 1; minus strand). Cytogenetic location: 3p21.1.
Variant type: single nucleotide variant.
Coding change: c.823A>G on transcript NM_004656.4 (MANE Select); coding-DNA position 823, A replaced by G.
Protein change: p.Lys275Glu; replaces lysine 275 with glutamic acid.
Molecular consequence: missense variant.
Genome position (GRCh38, 1-based): chr3:52,405,873, T>C on the plus strand (A>G on the coding strand, the complement: BAP1 is on the minus strand). VCF-style: chr3-52405873-T-C. GRCh37 (hg19) VCF-style: chr3-52439889-T-C.
Other names: c.769A>G, p.Lys257Glu (NM_001410772.1); short protein forms K275E, K257E.
Identifiers: ClinVar variation 3260397 (VCV003260397.1).